The following is an entry in ClinVar:

ClinVar aggregate classification (germline): Uncertain significance (1 of 4 stars; one submission).

Conditions:
Inborn genetic diseases. Identifiers: MedGen C0950123, MeSH D030342.

Submission:

Ambry Genetics
Classification: Uncertain significance for Inborn genetic diseases. Last evaluated: 2025-06-06. Review status: criteria provided, single submitter. Criteria: Ambry Variant Classification Scheme 2023. Collection method: clinical testing. Allele origin: germline.
Comment: The p.F363L variant (also known as c.1089C>G), located in coding exon 1 of the SAMD9L gene, results from a C to G substitution at nucleotide position 1089. The phenylalanine at codon 363 is replaced by leucine, an amino acid with highly similar properties. This amino acid position is conserved. In addition, this alteration is predicted to be tolerated by in silico analysis. Based on the available evidence, the clinical significance of this variant remains unclear.

NM_152703.5(SAMD9L):c.1089C>G (p.Phe363Leu)

Gene: SAMD9L (sterile alpha motif domain containing 9 like; minus strand). Cytogenetic location: 7q21.2.
Variant type: single nucleotide variant.
Coding change: c.1089C>G on transcript NM_152703.5 (MANE Select); coding-DNA position 1089, C replaced by G.
Protein change: p.Phe363Leu; replaces phenylalanine 363 with leucine.
Molecular consequence: missense variant.
Genome position (GRCh38, 1-based): chr7:93,134,883, G>C on the plus strand (C>G on the coding strand, the complement: SAMD9L is on the minus strand). VCF-style: chr7-93134883-G-C. GRCh37 (hg19) VCF-style: chr7-92764196-G-C.
Other names: c.1089C>G, p.Phe363Leu (NM_001303496.3, NM_001303497.3, NM_001303498.3 and 5 more transcripts); short protein forms F363L.
Identifiers: ClinVar variation 3949997 (VCV003949997.1).
Genomic context (GRCh38, chr7:93,134,883, plus strand): 5'-CTCTTCTTCAGCCTCTTTTCTAGATGCTACCAGTGACTTTAAATTTTGTAAAAATGCCTT[G>C]AAATCTACATCCCGTTGCTTGGAATTGGCCAGGATATCCCTAGAGCTAGCCCCTTCTCTT-3'
Protein context (NP_689916.2, residues 353-373): LANSKQRDVD[Phe363Leu]KAFLQNLKSL